The following is an entry in ClinVar:

ClinVar aggregate classification (germline): Uncertain significance (1 of 4 stars; one submission).

Conditions:
Hypertrophic cardiomyopathy. Also called: HYPERTROPHIC MYOCARDIOPATHY. Identifiers: Orphanet 217569, MedGen C0007194, MeSH D002312, MONDO:0005045, HP:0001639.

Submission:

Labcorp Genetics (formerly Invitae), Labcorp
Classification: Uncertain significance for Hypertrophic cardiomyopathy. Last evaluated: 2023-05-22. Review status: criteria provided, single submitter. Criteria: Invitae Variant Classification Sherloc (09022015). Collection method: clinical testing. Allele origin: germline.
Comment: In summary, the available evidence is currently insufficient to determine the role of this variant in disease. Therefore, it has been classified as a Variant of Uncertain Significance. Advanced modeling of protein sequence and biophysical properties (such as structural, functional, and spatial information, amino acid conservation, physicochemical variation, residue mobility, and thermodynamic stability) performed at Invitae indicates that this missense variant is expected to disrupt MYH7 protein function. This variant has not been reported in the literature in individuals affected with MYH7-related conditions. This sequence change replaces tyrosine, which is neutral and polar, with histidine, which is basic and polar, at codon 410 of the MYH7 protein (p.Tyr410His). This variant is not present in population databases (gnomAD no frequency).

NM_000257.4(MYH7):c.1228T>C (p.Tyr410His)

Gene: MYH7 (myosin heavy chain 7; minus strand). Cytogenetic location: 14q11.2.
Variant type: single nucleotide variant.
Coding change: c.1228T>C on transcript NM_000257.4 (MANE Select); coding-DNA position 1228, T replaced by C.
Protein change: p.Tyr410His; replaces tyrosine 410 with histidine.
Molecular consequence: missense variant.
Genome position (GRCh38, 1-based): chr14:23,429,258, A>G on the plus strand (T>C on the coding strand, the complement: MYH7 is on the minus strand). VCF-style: chr14-23429258-A-G. GRCh37 (hg19) VCF-style: chr14-23898467-A-G.
Other names: c.1228T>C, p.Tyr410His (NM_001407004.1); short protein forms Y410H.
Identifiers: ClinVar variation 2866884 (VCV002866884.3), dbSNP rs2502303111, ClinGen allele CA389051080.
Genomic context (GRCh38, chr14:23,429,258, plus strand): 5'-CCCACCCATTATCATCTGAAGATGGACCCACCTGCTGGACATTCTGCCCCTTGGTGACGT[A>G]CTCATTGCCCACTTTCACCCGAGGGTGGCACAGCCCCTTGAGCAGGTCGGCTGAGTTCAG-3'
Protein context (NP_000248.2, residues 400-420): CHPRVKVGNE[Tyr410His]VTKGQNVQQV